The following is an entry in ClinVar:

NM_031844.3(HNRNPU):c.1039A>G (p.Arg347Gly)

Gene: HNRNPU (heterogeneous nuclear ribonucleoprotein U; minus strand). Cytogenetic location: 1q44.
Variant type: single nucleotide variant.
Coding change: c.1039A>G on transcript NM_031844.3 (MANE Select); coding-DNA position 1039, A replaced by G.
Protein change: p.Arg347Gly; replaces arginine 347 with glycine.
Molecular consequence: missense variant.
Genome position (GRCh38, 1-based): chr1:244,859,353, T>C on the plus strand (A>G on the coding strand, the complement: HNRNPU is on the minus strand). VCF-style: chr1-244859353-T-C. GRCh37 (hg19) VCF-style: chr1-245022655-T-C.
Other names: c.982A>G, p.Arg328Gly (NM_004501.3); short protein forms R328G, R347G.
Identifiers: ClinVar variation 2016018 (VCV002016018.4), dbSNP rs2527882253, ClinGen allele CA345493331.
Genomic context (GRCh38, chr1:244,859,353, plus strand): 5'-TAGTTAGTGACCAGCCAATACGAACTTCATGTATGTCAATATCTTTTGTATATAAATGCC[T>C]TACTGGGATCTTCTCTGTAACCTGAAAGTCAAATCATTAAATAATTAAAATAATACACCA-3'
Protein context (NP_114032.2, residues 337-357): EMKVTEKIPV[Arg347Gly]HLYTKDIDIH

ClinVar aggregate classification (germline): Uncertain significance (1 of 4 stars; one submission).

Conditions:
Developmental and epileptic encephalopathy, 54. Also called: HNRNPU-Related Neurodevelopmental Disorder; Epileptic encephalopathy, early infantile, 54. Identifiers: MedGen C4479319, MONDO:0033363, OMIM 617391.

Submission:

Labcorp Genetics (formerly Invitae), Labcorp
Classification: Uncertain significance for Developmental and epileptic encephalopathy, 54. Last evaluated: 2023-08-10. Review status: criteria provided, single submitter. Criteria: Invitae Variant Classification Sherloc (09022015). Collection method: clinical testing. Allele origin: germline.
Comment: ClinVar contains an entry for this variant (Variation ID: 2016018). This sequence change replaces arginine, which is basic and polar, with glycine, which is neutral and non-polar, at codon 347 of the HNRNPU protein (p.Arg347Gly). This variant is not present in population databases (gnomAD no frequency). This variant has not been reported in the literature in individuals affected with HNRNPU-related conditions. Advanced modeling of protein sequence and biophysical properties (such as structural, functional, and spatial information, amino acid conservation, physicochemical variation, residue mobility, and thermodynamic stability) performed at Invitae indicates that this missense variant is not expected to disrupt HNRNPU protein function. In summary, the available evidence is currently insufficient to determine the role of this variant in disease. Therefore, it has been classified as a Variant of Uncertain Significance.